The following is an entry in ClinVar:

NM_001148.6(ANK2):c.2701T>A (p.Ser901Thr)

Gene: ANK2 (ankyrin 2; plus strand). Cytogenetic location: 4q26.
Variant type: single nucleotide variant.
Coding change: c.2701T>A on transcript NM_001148.6 (MANE Select); coding-DNA position 2701, T replaced by A.
Protein change: p.Ser901Thr; replaces serine 901 with threonine.
Molecular consequence: missense variant. On other transcripts: intron variant (22).
Genome position (GRCh38, 1-based): chr4:113,317,714, T>A. VCF-style: chr4-113317714-T-A. GRCh37 (hg19) VCF-style: chr4-114238870-T-A.
Other names: c.2638T>A, p.Ser880Thr (NM_001127493.3, NM_001354243.2, NM_001354255.2 and 3 more transcripts); c.2713T>A, p.Ser905Thr (NM_001354225.2); c.2701T>A, p.Ser901Thr (NM_001354228.2, NM_001354232.2, NM_001354258.2 and 1 more transcripts); c.2746T>A, p.Ser916Thr (NM_001354240.2, NM_001354241.2, NM_001386144.1); c.2602T>A, p.Ser868Thr (NM_001354245.2, NM_001354268.2); c.2614T>A, p.Ser872Thr (NM_001354249.2, NM_001354264.2, NM_001354266.2 and 7 more transcripts); c.2539T>A, p.Ser847Thr (NM_001354253.2, NM_001354257.2, NM_001354270.2 and 1 more transcripts); c.2650T>A, p.Ser884Thr (NM_001354254.2); and 17 more; short protein forms S880T, S901T, S839T, S847T, S868T, S905T, S872T, S884T.
Identifiers: ClinVar variation 426121 (VCV000426121.3), dbSNP rs1057522778, ClinGen allele CA357930386.

ClinVar aggregate classification (germline): Uncertain significance. Review status: criteria provided, multiple submitters, no conflicts (2 of 4 stars). 2 submissions from 2 submitters: Uncertain significance (2). Last evaluated 2025-05-20.

Conditions:
Cardiovascular phenotype. Identifiers: MedGen CN230736.

Submissions (2):

Ambry Genetics
Classification: Uncertain significance for Cardiovascular phenotype. Last evaluated: 2025-05-20. Review status: criteria provided, single submitter. Criteria: Ambry Variant Classification Scheme 2023. Collection method: clinical testing. Allele origin: germline.

GeneDx
Classification: Uncertain significance. Last evaluated: 2017-05-02. Review status: criteria provided, single submitter. Criteria: GeneDx Variant Classification (06012015). Collection method: clinical testing. Allele origin: germline. Affected: yes.
Comment: The c.2701T>A variant in the ANK2 gene has not been reported previously as a pathogenic variant, nor as a benign variant, to our knowledge. The c.2701T>A variant is not observed in large population cohorts (Lek et al., 2016; 1000 Genomes Consortium et al., 2015; Exome Variant Server). Two splicing prediction models are uninformative as the natural splice acceptor site for exon 25 is not predicted, however one model predicts the canonical splice acceptor site to be destroyed. In the absence of RNA/functional studies, the actual effect of the c.2701T>A change in this individual is unknown. If c.2701T>A does not alter splicing, it will result in the S901T missense change. The S901T variant is a conservative amino acid substitution, which is not likely to impact secondary protein structure as these residues share similar properties. This substitution occurs at a position that is conserved across species. In silico analysis is inconsistent in its predictions as to whether or not the variant is damaging to the protein structure/function. We interpret c.2701T>A as a variant of uncertain significance.